The following is an entry in ClinVar:

NM_001354604.2(MITF):c.384G>A (p.Lys128=)

Gene: MITF (melanocyte inducing transcription factor; plus strand). Cytogenetic location: 3p13.
Variant type: single nucleotide variant.
Coding change: c.384G>A on transcript NM_001354604.2 (MANE Select); coding-DNA position 384, G replaced by A.
Protein change: p.Lys128=; no amino-acid change (lysine 128 retained).
Molecular consequence: synonymous variant.
Genome position (GRCh38, 1-based): chr3:69,937,851, G>A. VCF-style: chr3-69937851-G-A. GRCh37 (hg19) VCF-style: chr3-69987002-G-A.
Other names: c.63G>A, p.Lys21= (NM_000248.4, NM_001184968.2, NM_198158.3 and 1 more transcripts); c.228G>A, p.Lys76= (NM_001184967.2, NM_001354608.2); c.381G>A, p.Lys127= (NM_001354605.2, NM_001354606.2, NM_006722.3); c.333G>A, p.Lys111= (NM_001354607.2); c.384G>A, p.Lys128= (NM_198159.3); c.336G>A, p.Lys112= (NM_198177.3).
Identifiers: ClinVar variation 1315063 (VCV001315063.2), dbSNP rs1405436628, ClinGen allele CA434433286.

ClinVar aggregate classification (germline): Uncertain significance (1 of 4 stars; one submission).

Allele frequency attached by ClinVar (database versions not stated): gnomAD exomes below 0.00001.
gnomAD v4.1: 3 of 1,614,032 alleles (0.00019%); highest among the groups gnomAD compares: South Asian, 0.0022%; no homozygotes.

Submission:

GeneDx
Classification: Uncertain significance. Last evaluated: 2020-01-24. Review status: criteria provided, single submitter. Criteria: GeneDx Variant Classification Process June 2021. Collection method: clinical testing. Allele origin: germline. Affected: yes.
Comment: Not observed at a significant frequency in large population cohorts (Lek 2016); In silico analysis, which includes splice predictors and evolutionary conservation, supports that this variant does not alter protein structure/function; Has not been previously published as pathogenic or benign to our knowledge